The following is an entry in ClinVar:

NM_016148.5(SHANK1):c.3833del (p.Pro1278fs)

Gene: SHANK1 (SH3 and multiple ankyrin repeat domains 1; minus strand). Cytogenetic location: 19q13.33.
Variant type: Deletion.
Coding change: c.3833del on transcript NM_016148.5 (MANE Select); coding-DNA position 3833, one base deleted (C; older notation c.3833delC).
Protein change: p.Pro1278fs; shifts the reading frame from proline 1278.
Molecular consequence: frameshift variant.
Genome position (GRCh38, 1-based): chr19:50,668,127, G deleted on the plus strand (C on the coding strand, the reverse complement: SHANK1 is on the minus strand); the first of 4 consecutive G bases (chr19:50,668,127-50,668,130); deleting any one gives the same sequence. VCF-style (leftmost placement, unchanged base first): chr19-50668126-CG-C. GRCh37 (hg19) VCF-style: chr19-51171383-CG-C.
Other names: short protein forms P1278fs.
Identifiers: ClinVar variation 5029536 (VCV005029536.1).

ClinVar aggregate classification (germline): Pathogenic (1 of 4 stars; one submission).

Conditions:
Inborn genetic diseases. Identifiers: MedGen C0950123, MeSH D030342.

Submission:

Ambry Genetics
Classification: Pathogenic for Inborn genetic diseases. Last evaluated: 2026-08-24. Review status: criteria provided, single submitter. Criteria: Ambry Variant Classification Scheme 2023. Collection method: clinical testing. Allele origin: germline.
Comment: The c.3833delC (p.P1278Rfs*65) alteration, located in exon 22 (coding exon 22) of the SHANK1 gene, consists of a deletion of one nucleotide at position 3833, causing a translational frameshift with a predicted alternate stop codon after 65 amino acids. This variant is expected to result in loss of function by premature protein truncation or nonsense-mediated mRNA decay. This variant was not reported in population-based cohorts in the Genome Aggregation Database (gnomAD). Based on the available evidence, this alteration is classified as pathogenic.